The following is an entry in ClinVar:

ClinVar aggregate classification (germline): Uncertain significance. Review status: criteria provided, single submitter (1 of 4 stars). 2 submissions from 2 submitters: Uncertain significance (1). 1 of the submissions does not count toward it. Last evaluated 2021-12-15.

Conditions:
Retinal dystrophy. Also called: Inherited retinal dystrophy. Identifiers: Orphanet 71862, MedGen C0854723, MeSH D058499, MONDO:0019118, HP:0000556.

Allele frequency attached by ClinVar (database versions not stated): gnomAD exomes 0.00001; TOPMed 0.00001; gnomAD 0.00002.
gnomAD v4.1: 38 of 1,606,474 alleles (0.0024%); highest among the groups gnomAD compares: Non-Finnish European, 0.0031%; no homozygotes.

Submissions (2):

Labcorp Genetics (formerly Invitae), Labcorp
Classification: Uncertain significance. Last evaluated: 2021-12-15. Review status: criteria provided, single submitter. Criteria: Invitae Variant Classification Sherloc (09022015). Collection method: clinical testing. Allele origin: germline.
Comment: This sequence change replaces glycine, which is neutral and non-polar, with cysteine, which is neutral and slightly polar, at codon 240 of the POC1B protein (p.Gly240Cys). This variant is present in population databases (no rsID available, gnomAD 0.002%). This variant has not been reported in the literature in individuals affected with POC1B-related conditions. Advanced modeling of protein sequence and biophysical properties (such as structural, functional, and spatial information, amino acid conservation, physicochemical variation, residue mobility, and thermodynamic stability) performed at Invitae indicates that this missense variant is expected to disrupt POC1B protein function. In summary, the available evidence is currently insufficient to determine the role of this variant in disease. Therefore, it has been classified as a Variant of Uncertain Significance.

Institute of Human Genetics, Univ. Regensburg, Univ. Regensburg
Classification: Uncertain significance for Retinal dystrophy. Last evaluated: 2022-01-01. Review status: no assertion criteria provided. Criteria: ACMG Guidelines, 2015. Collection method: clinical testing. Allele origin: germline. Affected: yes. Not counted in ClinVar's aggregate classification.

NM_172240.3(POC1B):c.718G>T (p.Gly240Cys)

Genes: POC1B (POC1 centriolar protein B; minus strand), POC1B-DUSP6 (POC1B-DUSP6 readthrough; minus strand). Cytogenetic location: 12q21.33.
Variant type: single nucleotide variant.
Coding change: c.718G>T on transcript NM_172240.3 (MANE Select); coding-DNA position 718, G replaced by T.
Protein change: p.Gly240Cys; replaces glycine 240 with cysteine.
Molecular consequence: missense variant. On other transcripts: non-coding transcript variant (2).
Genome position (GRCh38, 1-based): chr12:89,470,453, C>A on the plus strand (G>T on the coding strand, the complement: POC1B is on the minus strand). VCF-style: chr12-89470453-C-A. GRCh37 (hg19) VCF-style: chr12-89864230-C-A.
Other names: c.592G>T, p.Gly198Cys (NM_001199777.2); short protein forms G198C, G240C.
Identifiers: ClinVar variation 1470205 (VCV001470205.5), dbSNP rs1219460585, ClinGen allele CA385996247.